The following is an entry in ClinVar:

ClinVar aggregate classification (germline): Uncertain significance (1 of 4 stars; one submission).

gnomAD v4.1: 6 of 1,601,648 alleles (0.00037%); highest among the groups gnomAD compares: Admixed American, 0.0017%; no homozygotes.

Submission:

Labcorp Genetics (formerly Invitae), Labcorp
Classification: Uncertain significance. Last evaluated: 2024-10-23. Review status: criteria provided, single submitter. Criteria: Invitae Variant Classification Sherloc (09022015). Collection method: clinical testing. Allele origin: germline.
Comment: This sequence change replaces arginine, which is basic and polar, with glutamine, which is neutral and polar, at codon 2110 of the ITPR1 protein (p.Arg2110Gln). This variant is not present in population databases (gnomAD no frequency). This variant has not been reported in the literature in individuals affected with ITPR1-related conditions. Invitae Evidence Modeling of protein sequence and biophysical properties (such as structural, functional, and spatial information, amino acid conservation, physicochemical variation, residue mobility, and thermodynamic stability) indicates that this missense variant is not expected to disrupt ITPR1 protein function with a negative predictive value of 95%. In summary, the available evidence is currently insufficient to determine the role of this variant in disease. Therefore, it has been classified as a Variant of Uncertain Significance.

NM_001378452.1(ITPR1):c.6518G>A (p.Arg2173Gln)

Gene: ITPR1 (inositol 1,4,5-trisphosphate receptor type 1; plus strand). Cytogenetic location: 3p26.1.
Variant type: single nucleotide variant.
Coding change: c.6518G>A on transcript NM_001378452.1 (MANE Select); coding-DNA position 6518, G replaced by A.
Protein change: p.Arg2173Gln; replaces arginine 2173 with glutamine.
Molecular consequence: missense variant.
Genome position (GRCh38, 1-based): chr3:4,783,823, G>A. VCF-style: chr3-4783823-G-A. GRCh37 (hg19) VCF-style: chr3-4825507-G-A.
Other names: c.6374G>A, p.Arg2125Gln (NM_001099952.4); c.6473G>A, p.Arg2158Gln (NM_001168272.2); c.6329G>A, p.Arg2110Gln (NM_002222.7); short protein forms R2110Q, R2125Q, R2158Q, R2173Q.
Identifiers: ClinVar variation 3613796 (VCV003613796.2).
Genomic context (GRCh38, chr3:4,783,823, plus strand): 5'-GTTCCTGTTGTGAAGAGACACCAACCTCCTGTATCTCTGTCCCTGTATTCTAGTTGGCTC[G>A]GCATAACAAAGAACTTCAGAGCATGCTGAAACCTGGTGGCCAAGTGGACGGAGATGAAGC-3'
Protein context (NP_001365381.1, residues 2163-2183): NIYILAHQLA[Arg2173Gln]HNKELQSMLK